The following is an entry in ClinVar:

ClinVar aggregate classification (germline): Uncertain significance (1 of 4 stars; one submission).

Submission:

Labcorp Genetics (formerly Invitae), Labcorp
Classification: Uncertain significance. Last evaluated: 2024-10-08. Review status: criteria provided, single submitter. Criteria: Invitae Variant Classification Sherloc (09022015). Collection method: clinical testing. Allele origin: germline.
Comment: This sequence change replaces tryptophan, which is neutral and slightly polar, with cysteine, which is neutral and slightly polar, at codon 265 of the LZTR1 protein (p.Trp265Cys). This variant is not present in population databases (gnomAD no frequency). This variant has not been reported in the literature in individuals affected with LZTR1-related conditions. Invitae Evidence Modeling of protein sequence and biophysical properties (such as structural, functional, and spatial information, amino acid conservation, physicochemical variation, residue mobility, and thermodynamic stability) indicates that this missense variant is not expected to disrupt LZTR1 protein function with a negative predictive value of 80%. In summary, the available evidence is currently insufficient to determine the role of this variant in disease. Therefore, it has been classified as a Variant of Uncertain Significance.

NM_006767.4(LZTR1):c.795G>C (p.Trp265Cys)

Gene: LZTR1 (leucine zipper like post translational regulator 1; plus strand). Cytogenetic location: 22q11.21.
Variant type: single nucleotide variant.
Coding change: c.795G>C on transcript NM_006767.4 (MANE Select); coding-DNA position 795, G replaced by C.
Protein change: p.Trp265Cys; replaces tryptophan 265 with cysteine.
Molecular consequence: missense variant.
Genome position (GRCh38, 1-based): chr22:20,991,631, G>C. VCF-style: chr22-20991631-G-C. GRCh37 (hg19) VCF-style: chr22-21345920-G-C.
Other names: short protein forms W265C.
Identifiers: ClinVar variation 3640011 (VCV003640011.2).
Genomic context (GRCh38, chr22:20,991,631, plus strand): 5'-CCCGAGGGTGAGCAGGAGCCCCTGTCCCAGCATTGATTCACTGTTGTGTACCCCCAGGTG[G>C]ACACGCATCCCAACTGAACACCTGCTCCGGGGCTCCCCACCACCCCCGCAGCGGCGCTAC-3'
Protein context (NP_006758.2, residues 255-275): LFQFEFKDKT[Trp265Cys]TRIPTEHLLR